The following is an entry in ClinVar:

ClinVar aggregate classification (germline): Uncertain significance. Review status: criteria provided, multiple submitters, no conflicts (2 of 4 stars). 2 submissions from 2 submitters: Uncertain significance (2). Last evaluated 2024-12-01.

Conditions:
Pulmonary fibrosis and/or bone marrow failure, Telomere-related, 3. Also called: PULMONARY FIBROSIS AND/OR BONE MARROW FAILURE SYNDROME, TELOMERE-RELATED, 3. Identifiers: Orphanet 2032, MedGen C4225346, MONDO:0014613, OMIM 616373.
Inborn genetic diseases. Identifiers: MedGen C0950123, MeSH D030342.

Allele frequency attached by ClinVar (database versions not stated): gnomAD exomes below 0.00001; gnomAD 0.00001; TOPMed 0.00001.
gnomAD v4.1: 24 of 1,611,690 alleles (0.0015%); highest among the groups gnomAD compares: Non-Finnish European, 0.0018%; no homozygotes.

Submissions (2):

Ambry Genetics
Classification: Uncertain significance for Inborn genetic diseases. Last evaluated: 2024-12-01. Review status: criteria provided, single submitter. Criteria: Ambry Variant Classification Scheme 2023. Collection method: clinical testing. Allele origin: germline.
Comment: The p.R700W variant (also known as c.2098C>T), located in coding exon 23 of the RTEL1 gene, results from a C to T substitution at nucleotide position 2098. The arginine at codon 700 is replaced by tryptophan, an amino acid with dissimilar properties. This amino acid position is conserved. In addition, this alteration is predicted to be deleterious by in silico analysis. Based on the available evidence, the clinical significance of this variant remains unclear.

Johns Hopkins Genomics, Johns Hopkins University
Classification: Uncertain significance for Pulmonary fibrosis and/or bone marrow failure, Telomere-related, 3. Last evaluated: 2020-10-17. Review status: criteria provided, single submitter. Criteria: ACMG Guidelines, 2015. Collection method: clinical testing. Allele origin: germline.
Comment: This RTEL1 variant (rs1003156687) is rare (<0.1%) in a large population dataset (gnomAD: 2/277972 total alleles; 0.0007%; no homozygotes) and has not been reported in ClinVar nor the literature, to our knowledge. Three bioinformatic tools queried predict that this substitution would be damaging, and the arginine residue at this position is highly evolutionarily conserved across most species assessed. Due to insufficient evidence that this variant is deleterious, we consider the clinical significance of c.2098C>T to be uncertain at this time.

Literature cited by the submitters: PubMed 24582487 (cited by Johns Hopkins Genomics, Johns Hopkins University).

NM_001283009.2(RTEL1):c.2098C>T (p.Arg700Trp)

Genes: RTEL1-TNFRSF6B (RTEL1-TNFRSF6B readthrough (NMD candidate); plus strand), RTEL1 (regulator of telomere elongation helicase 1; plus strand). Cytogenetic location: 20q13.33.
Variant type: single nucleotide variant.
Coding change: c.2098C>T on transcript NM_001283009.2 (MANE Select); coding-DNA position 2098, C replaced by T.
Protein change: p.Arg700Trp; replaces arginine 700 with tryptophan.
Molecular consequence: missense variant. On other transcripts: non-coding transcript variant (1).
Genome position (GRCh38, 1-based): chr20:63,689,822, C>T. VCF-style: chr20-63689822-C-T. GRCh37 (hg19) VCF-style: chr20-62321175-C-T.
Other names: c.1429C>T, p.Arg477Trp (NM_001283010.1); c.2098C>T, p.Arg700Trp (NM_016434.4); c.2170C>T, p.Arg724Trp (NM_032957.5); short protein forms R477W, R700W, R724W.
Identifiers: ClinVar variation 983518 (VCV000983518.2), dbSNP rs1003156687, ClinGen allele CA317513153.